The following is an entry in ClinVar:

NM_173076.3(ABCA12):c.2613T>G (p.Phe871Leu)

Gene: ABCA12 (ATP binding cassette subfamily A member 12; minus strand). Cytogenetic location: 2q35.
Variant type: single nucleotide variant.
Coding change: c.2613T>G on transcript NM_173076.3 (MANE Select); coding-DNA position 2613, T replaced by G.
Protein change: p.Phe871Leu; replaces phenylalanine 871 with leucine.
Molecular consequence: missense variant. On other transcripts: non-coding transcript variant (1).
Genome position (GRCh38, 1-based): chr2:215,004,279, A>C on the plus strand (T>G on the coding strand, the complement: ABCA12 is on the minus strand). VCF-style: chr2-215004279-A-C. GRCh37 (hg19) VCF-style: chr2-215869003-A-C.
Other names: c.1659T>G, p.Phe553Leu (NM_015657.4); short protein forms F553L, F871L.
Identifiers: ClinVar variation 3348719 (VCV003348719.1).

ClinVar aggregate classification (germline): Uncertain significance (0 of 4 stars; one submission).

Conditions:
ABCA12-related disorder. Also called: ABCA12-related condition.

gnomAD v4.1: 8 of 1,613,178 alleles (0.0005%); highest among the groups gnomAD compares: African/African-American, 0.0013%; no homozygotes.

Submission:

PreventionGenetics, part of Exact Sciences
Classification: Uncertain significance for ABCA12-related condition. Last evaluated: 2024-06-03. Review status: no assertion criteria provided. Collection method: clinical testing. Allele origin: germline.
Comment: The ABCA12 c.2613T>G variant is predicted to result in the amino acid substitution p.Phe871Leu. To our knowledge, this variant has not been reported in the literature. This variant is reported in 0.0016% of alleles in individuals of European (Non-Finnish) descent in gnomAD. At this time, the clinical significance of this variant is uncertain due to the absence of conclusive functional and genetic evidence.